The following is an entry in ClinVar:

ClinVar aggregate classification (germline): Uncertain significance (1 of 4 stars; one submission).

Conditions:
Hereditary cancer-predisposing syndrome. Also called: Tumor predisposition; Hereditary Cancer Syndrome; Neoplastic Syndromes, Hereditary; Hereditary neoplastic syndrome. Identifiers: Orphanet 140162, MedGen C0027672, MeSH D009386, MONDO:0015356.

Allele frequency attached by ClinVar (database versions not stated): gnomAD exomes below 0.00001.
gnomAD v4.1: 3 of 1,613,824 alleles (0.00019%); highest among the groups gnomAD compares: Admixed American, 0.0017%; no homozygotes.

Submission:

Ambry Genetics
Classification: Uncertain significance for Hereditary cancer-predisposing syndrome. Last evaluated: 2022-09-26. Review status: criteria provided, single submitter. Criteria: Ambry Variant Classification Scheme 2023. Collection method: clinical testing. Allele origin: germline.
Comment: The p.V931I variant (also known as c.2791G>A), located in coding exon 16 of the DICER1 gene, results from a G to A substitution at nucleotide position 2791. The valine at codon 931 is replaced by isoleucine, an amino acid with highly similar properties. This amino acid position is highly conserved in available vertebrate species. In addition, this alteration is predicted to be tolerated by in silico analysis. Since supporting evidence is limited at this time, the clinical significance of this alteration remains unclear.

NM_177438.3(DICER1):c.2791G>A (p.Val931Ile)

Gene: DICER1 (dicer 1, ribonuclease III; minus strand). Cytogenetic location: 14q32.13.
Variant type: single nucleotide variant.
Coding change: c.2791G>A on transcript NM_177438.3 (MANE Select); coding-DNA position 2791, G replaced by A.
Protein change: p.Val931Ile; replaces valine 931 with isoleucine.
Molecular consequence: missense variant. On other transcripts: non-coding transcript variant (6).
Genome position (GRCh38, 1-based): chr14:95,107,621, C>T on the plus strand (G>A on the coding strand, the complement: DICER1 is on the minus strand). VCF-style: chr14-95107621-C-T. GRCh37 (hg19) VCF-style: chr14-95573958-C-T.
Other names: c.2791G>A, p.Val931Ile (NM_001195573.1, NM_001271282.3, NM_001291628.2 and 13 more transcripts); c.2509G>A, p.Val837Ile (NM_001395686.1); c.2386G>A, p.Val796Ile (NM_001395687.1, NM_001395688.1, NM_001395689.1 and 2 more transcripts); c.2224G>A, p.Val742Ile (NM_001395691.1); c.1108G>A, p.Val370Ile (NM_001395697.1); short protein forms V796I, V370I, V742I, V931I, V837I.
Identifiers: ClinVar variation 1796057 (VCV001796057.2), dbSNP rs1256068472, ClinGen allele CA390879424.